The following is an entry in ClinVar:

ClinVar aggregate classification (germline): Uncertain significance. Review status: criteria provided, multiple submitters, no conflicts (2 of 4 stars). 2 submissions from 2 submitters: Uncertain significance (2). Last evaluated 2023-12-04.

Conditions:
Inborn genetic diseases. Identifiers: MedGen C0950123, MeSH D030342.
Charcot-Marie-Tooth disease axonal type 2C (HMSN2C). Also called: Charcot-Marie-Tooth Disease Type 2, TRPV4-Related (CMT2C); CHARCOT-MARIE-TOOTH DISEASE, AXONAL, AUTOSOMAL DOMINANT, TYPE 2C; Charcot-Marie-Tooth Neuropathy Type 2C. Identifiers: Orphanet 99937, MedGen C1853710, MONDO:0011633, OMIM 606071.

Submissions (2):

Labcorp Genetics (formerly Invitae), Labcorp
Classification: Uncertain significance for Charcot-Marie-Tooth disease axonal type 2C. Last evaluated: 2023-12-04. Review status: criteria provided, single submitter. Criteria: Invitae Variant Classification Sherloc (09022015). Collection method: clinical testing. Allele origin: germline.
Comment: This sequence change creates a premature translational stop signal (p.Glu225Serfs*80) in the TRPV4 gene. It is expected to result in an absent or disrupted protein product. However, the current clinical and genetic evidence is not sufficient to establish whether loss-of-function variants in TRPV4 cause disease. This variant is present in population databases (no rsID available, gnomAD 0.007%). This variant has not been reported in the literature in individuals affected with TRPV4-related conditions. ClinVar contains an entry for this variant (Variation ID: 520616). In summary, the available evidence is currently insufficient to determine the role of this variant in disease. Therefore, it has been classified as a Variant of Uncertain Significance.

Ambry Genetics
Classification: Uncertain significance for Inborn genetic diseases. Last evaluated: 2023-06-20. Review status: criteria provided, single submitter. Criteria: Ambry Variant Classification Scheme 2023. Collection method: clinical testing. Allele origin: germline.
Comment: Loss of function has not been established as a mechanism of disease Based on insufficient or conflicting evidence, the clinical significance of this alteration remains unclear.

NM_021625.5(TRPV4):c.673del (p.Glu225fs)

Gene: TRPV4 (transient receptor potential cation channel subfamily V member 4; minus strand). Cytogenetic location: 12q24.11.
Variant type: Deletion.
Coding change: c.673del on transcript NM_021625.5 (MANE Select); coding-DNA position 673, one base deleted (G; older notation c.673delG).
Protein change: p.Glu225fs; shifts the reading frame from glutamic acid 225.
Molecular consequence: frameshift variant.
Genome position (GRCh38, 1-based): chr12:109,803,030, C deleted on the plus strand (G on the coding strand, the reverse complement: TRPV4 is on the minus strand); the first of 3 consecutive C bases (chr12:109,803,030-109,803,032); deleting any one gives the same sequence. VCF-style (leftmost placement, unchanged base first): chr12-109803029-TC-T. GRCh37 (hg19) VCF-style: chr12-110240834-TC-T.
Other names: c.673delG (NM_021625.4); c.671delG, p.Glu225Serfs (NM_147204.3, NM_001177428.2, NM_001177433.2); c.569delG, p.Glu191Serfs (NM_001177431.2); short protein forms E191fs, E225fs.
Identifiers: ClinVar variation 520616 (VCV000520616.13), dbSNP rs1191019525, ClinGen allele CA607602075.